The following is an entry in ClinVar:

NM_182961.4(SYNE1):c.14673del (p.Glu4892fs)

Gene: SYNE1 (spectrin repeat containing nuclear envelope protein 1; minus strand). Cytogenetic location: 6q25.2.
Variant type: Deletion.
Coding change: c.14673del on transcript NM_182961.4 (MANE Select); coding-DNA position 14673, one base deleted (T; older notation c.14673delT).
Protein change: p.Glu4892fs; shifts the reading frame from glutamic acid 4892.
Molecular consequence: frameshift variant.
Genome position (GRCh38, 1-based): chr6:152,330,012, A deleted on the plus strand (T on the coding strand, the reverse complement: SYNE1 is on the minus strand). VCF-style (leftmost placement, unchanged base first): chr6-152330011-CA-C. GRCh37 (hg19) VCF-style: chr6-152651146-CA-C.
Other names: c.14460del, p.Glu4821fs (NM_033071.5); short protein forms E4821fs, E4892fs.
Identifiers: ClinVar variation 2934645 (VCV002934645.3), dbSNP rs1305851892, ClinGen allele CA571437841.
Genomic context (GRCh38, chr6:152,330,011, plus strand): 5'-ACACCGGCCCACTGAGCTCTGCCTTCACTCTCCTCAGCCAGTCCAGGGAGCGACTCATCT[CA>C]GTCTGGAAGTCTATACTCTGCACCATTCGGCTCTCACATTCTGTCACCGTCTCACCAATG-3'

ClinVar aggregate classification (germline): Pathogenic (1 of 4 stars; one submission).

Conditions:
Emery-Dreifuss muscular dystrophy 4, autosomal dominant (EDMD4). Also called: EMERY-DREIFUSS MUSCULAR DYSTROPHY 4 WITH VARIABLE FEATURES. Identifiers: Orphanet 261, MedGen C2751807, MONDO:0013071, OMIM 612998.
Autosomal recessive ataxia, Beauce type. Also called: Spinocerebellar ataxia, autosomal recessive 8; ATAXIA, RECESSIVE, OF BEAUCE; SYNE1-Related Autosomal Recessive Cerebellar Ataxia; SYNE1 Deficiency. Identifiers: Orphanet 88644, MedGen C1853116, MONDO:0012549, OMIM 610743.

Allele frequency attached by ClinVar (database versions not stated): gnomAD 0.00001.

Submission:

Labcorp Genetics (formerly Invitae), Labcorp
Classification: Pathogenic for Emery-Dreifuss muscular dystrophy 4, autosomal dominant; Autosomal recessive ataxia, Beauce type. Last evaluated: 2023-08-10. Review status: criteria provided, single submitter. Criteria: Invitae Variant Classification Sherloc (09022015). Collection method: clinical testing. Allele origin: germline.
Comment: This sequence change creates a premature translational stop signal (p.Glu4821Argfs*2) in the SYNE1 gene. It is expected to result in an absent or disrupted protein product. Loss-of-function variants in SYNE1 are known to be pathogenic (PMID: 19542096, 24319099, 27086870). This variant is present in population databases (no rsID available, gnomAD 0.007%). This variant has not been reported in the literature in individuals affected with SYNE1-related conditions. For these reasons, this variant has been classified as Pathogenic.

Literature cited by the submitters: PubMed 19542096; PubMed 24319099; PubMed 27086870.